The following is an entry in ClinVar:

ClinVar aggregate classification (germline): Uncertain significance (1 of 4 stars; one submission).

Allele frequency attached by ClinVar (database versions not stated): 1000 Genomes Project 30x 0.00016; 1000 Genomes Project 0.00020; ExAC 0.00030; ESP Exome Variant Server 0.00031; gnomAD 0.00038 and 0.00042; TOPMed 0.00042.
gnomAD v4.1: 116 of 1,586,150 alleles (0.0073%); highest among the groups gnomAD compares: African/African-American, 0.14%; no homozygotes.

Submission:

Labcorp Genetics (formerly Invitae), Labcorp
Classification: Uncertain significance. Last evaluated: 2022-10-25. Review status: criteria provided, single submitter. Criteria: Invitae Variant Classification Sherloc (09022015). Collection method: clinical testing. Allele origin: germline.
Comment: This sequence change replaces glutamic acid, which is acidic and polar, with aspartic acid, which is acidic and polar, at codon 202 of the GSC protein (p.Glu202Asp). This variant is present in population databases (rs376810813, gnomAD 0.2%). This variant has not been reported in the literature in individuals affected with GSC-related conditions. ClinVar contains an entry for this variant (Variation ID: 1415342). Algorithms developed to predict the effect of missense changes on protein structure and function (SIFT, PolyPhen-2, Align-GVGD) all suggest that this variant is likely to be disruptive. In summary, the available evidence is currently insufficient to determine the role of this variant in disease. Therefore, it has been classified as a Variant of Uncertain Significance.

NM_173849.3(GSC):c.606G>C (p.Glu202Asp)

Gene: GSC (goosecoid homeobox; minus strand). Cytogenetic location: 14q32.13.
Variant type: single nucleotide variant.
Coding change: c.606G>C on transcript NM_173849.3 (MANE Select); coding-DNA position 606, G replaced by C.
Protein change: p.Glu202Asp; replaces glutamic acid 202 with aspartic acid.
Molecular consequence: missense variant.
Genome position (GRCh38, 1-based): chr14:94,768,967, C>G on the plus strand (G>C on the coding strand, the complement: GSC is on the minus strand). VCF-style: chr14-94768967-C-G. GRCh37 (hg19) VCF-style: chr14-95235304-C-G.
Other names: short protein forms E202D.
Identifiers: ClinVar variation 1415342 (VCV001415342.3), dbSNP rs376810813, ClinGen allele CA7330489.